The following is an entry in ClinVar:

NM_000384.3(APOB):c.5843G>T (p.Gly1948Val)

Gene: APOB (apolipoprotein B; minus strand). Cytogenetic location: 2p24.1.
Variant type: single nucleotide variant.
Coding change: c.5843G>T on transcript NM_000384.3 (MANE Select); coding-DNA position 5843, G replaced by T.
Protein change: p.Gly1948Val; replaces glycine 1948 with valine.
Molecular consequence: missense variant.
Genome position (GRCh38, 1-based): chr2:21,011,025, C>A on the plus strand (G>T on the coding strand, the complement: APOB is on the minus strand). VCF-style: chr2-21011025-C-A. GRCh37 (hg19) VCF-style: chr2-21233897-C-A.
Other names: short protein forms G1948V.
Identifiers: ClinVar variation 4527749 (VCV004527749.1).
Genomic context (GRCh38, chr2:21,011,025, plus strand): 5'-ACTTTGTGTTCAAGAGCTGCACTGATGCTTTTCCTAGACACGAGATGATGACTTGTGGAG[C>A]CTTTGTAATCATGAGAGAAAGTAAATGCCAGAGGTTCTGCTTTCAACAGGAATTTGCTAT-3'
Protein context (NP_000375.3, residues 1938-1958): LAFTFSHDYK[Gly1948Val]STSHHLVSRK

ClinVar aggregate classification (germline): Uncertain significance (1 of 4 stars; one submission).

Submission:

GeneDx
Classification: Uncertain significance. Last evaluated: 2025-04-30. Review status: criteria provided, single submitter. Criteria: GeneDx Variant Classification Process June 2021. Collection method: clinical testing. Allele origin: germline. Affected: yes.
Comment: Not observed at significant frequency in large population cohorts (gnomAD); In silico analysis supports that this missense variant has a deleterious effect on protein structure/function; Has not been previously published as pathogenic or benign to our knowledge; Also known as p.(G1921V)